The following is an entry in ClinVar:

NM_025144.4(ALPK1):c.1785G>A (p.Trp595Ter)

Gene: ALPK1 (alpha kinase 1; plus strand). Cytogenetic location: 4q25.
Variant type: single nucleotide variant.
Coding change: c.1785G>A on transcript NM_025144.4 (MANE Select); coding-DNA position 1785, G replaced by A.
Protein change: p.Trp595Ter; replaces tryptophan 595 with a stop codon.
Molecular consequence: nonsense.
Genome position (GRCh38, 1-based): chr4:112,431,332, G>A. VCF-style: chr4-112431332-G-A. GRCh37 (hg19) VCF-style: chr4-113352488-G-A.
Other names: c.1785G>A, p.Trp595Ter (NM_001102406.2); c.1551G>A, p.Trp517Ter (NM_001253884.2); short protein forms W517*, W595*.
Identifiers: ClinVar variation 2057957 (VCV002057957.5), dbSNP rs116802171, ClinGen allele CA3046796.

ClinVar aggregate classification (germline): Benign. Review status: criteria provided, multiple submitters, no conflicts (2 of 4 stars). 2 submissions from 2 submitters: Benign (2). Last evaluated 2026-04-02.

Allele frequency attached by ClinVar (database versions not stated): ESP Exome Variant Server 0.00223; 1000 Genomes Project 30x 0.00468; 1000 Genomes Project 0.00479.
gnomAD v4.1: 695 of 1,614,190 alleles (0.043%); highest among the groups gnomAD compares: African/African-American, 0.81%; 2 homozygotes.

Submissions (2):

Women's Health and Genetics/Laboratory Corporation of America, LabCorp
Classification: Benign. Last evaluated: 2026-04-02. Review status: criteria provided, single submitter. Criteria: LabCorp Variant Classification Summary - May 2015. Collection method: clinical testing. Allele origin: germline.
Comment: Variant summary: ALPK1 c.1785G>A (p.Trp595X) results in a premature termination codon, predicted to cause a truncation of the encoded protein or absence of the protein due to nonsense mediated decay, however current evidence is not sufficient to establish loss of function as a mechanism for disease. The variant allele was found at a frequency of 0.00064 in 251356 control chromosomes, predominantly at a frequency of 0.0084 within the African or African-American subpopulation in the gnomAD database. The observed variant frequency within African or African-American control individuals in the gnomAD database exceeds the estimated maximal expected allele frequency for disease-causing variants in ALPK1. To our knowledge, no occurrence of c.1785G>A in individuals affected with ALPK1-related conditions and no experimental evidence demonstrating its impact on protein function have been reported. ClinVar contains an entry for this variant (Variation ID: 2057957). Based on the evidence outlined above, the variant was classified as benign.

Labcorp Genetics (formerly Invitae), Labcorp
Classification: Benign. Last evaluated: 2026-01-22. Review status: criteria provided, single submitter. Criteria: Invitae Variant Classification Sherloc (09022015). Collection method: clinical testing. Allele origin: germline.